The following is an entry in ClinVar:

ClinVar aggregate classification (germline): Pathogenic (1 of 4 stars; one submission).

Conditions:
Familial thoracic aortic aneurysm and aortic dissection (TAAD). Also called: Thoracic aortic aneurysms and dissections. Identifiers: Orphanet 91387, MedGen C4707243, MONDO:0019625.
Marfan syndrome (MFS). Also called: FBN1-Related Marfan Syndrome; Marfan syndrome type 1; Marfan's syndrome; Marfan syndrome, classic; MARFAN SYNDROME, TYPE I. Identifiers: Orphanet 284963, Orphanet 558, MedGen C0024796, MONDO:0007947, OMIM 154700.

Submission:

Labcorp Genetics (formerly Invitae), Labcorp
Classification: Pathogenic for Marfan syndrome; Familial thoracic aortic aneurysm and aortic dissection. Last evaluated: 2018-12-14. Review status: criteria provided, single submitter. Criteria: Invitae Variant Classification Sherloc (09022015). Collection method: clinical testing. Allele origin: germline.
Comment: This nonsense change has been observed in an individual affected with thoracic aortic aneurysm and dissection (PMID: 26621581). This sequence change creates a premature translational stop signal (p.Cys2552*) in the FBN1 gene. It is expected to result in an absent or disrupted protein product. This variant is not present in population databases (ExAC no frequency). Loss-of-function variants in FBN1 are known to be pathogenic (PMID: 17657824, 19293843). For these reasons, this variant has been classified as Pathogenic.

Literature cited by the submitters: PubMed 26621581; PubMed 17657824; PubMed 19293843.

NM_000138.5(FBN1):c.7655_7656delinsAA (p.Cys2552Ter)

Gene: FBN1 (fibrillin 1; minus strand). Cytogenetic location: 15q21.1.
Variant type: Indel.
Coding change: c.7655_7656delinsAA on transcript NM_000138.5 (MANE Select); coding-DNA positions 7655 to 7656, GC replaced by AA.
Protein change: p.Cys2552Ter; replaces cysteine 2552 with a stop codon.
Molecular consequence: nonsense.
Genome position (GRCh38, 1-based): chr15:48,421,601-48,421,602, GC replaced by TT on the plus strand (GC replaced by AA on the coding strand, the reverse complement: FBN1 is on the minus strand). VCF-style: chr15-48421601-GC-TT. GRCh37 (hg19) VCF-style: chr15-48713798-GC-TT.
Other names: short protein forms C2552*.
Identifiers: ClinVar variation 638929 (VCV000638929.5), dbSNP rs1597513319, ClinGen allele CA915946627.